The following is an entry in ClinVar:

ClinVar aggregate classification (germline): Uncertain significance. Review status: criteria provided, single submitter (1 of 4 stars). 2 submissions from 2 submitters: Uncertain significance (1). 1 of the submissions does not count toward it. Last evaluated 2020-06-15.

Conditions:
Hereditary breast ovarian cancer syndrome. Also called: Hereditary breast and ovarian cancer syndrome; Hereditary breast and ovarian cancer; Hereditary breast and ovarian cancer syndrome (HBOC); Breast and ovarian cancer; Hereditary breast and/or ovarian cancer syndrome; BRCA1- and BRCA2-Associated Hereditary Breast and Ovarian Cancer. Identifiers: Orphanet 145, MedGen C0677776, MeSH D061325, MONDO:0003582. Disease mechanism: loss of function.
Familial cancer of breast. Also called: BREAST CANCER, FAMILIAL; Hereditary breast cancer; hereditary breast carcinoma. Identifiers: Orphanet 227535, MedGen C0346153, MONDO:0016419, OMIM 114480. Disease mechanism: loss of function.

Submissions (2):

Labcorp Genetics (formerly Invitae), Labcorp
Classification: Uncertain significance for Hereditary breast ovarian cancer syndrome. Last evaluated: 2020-06-15. Review status: criteria provided, single submitter. Criteria: Invitae Variant Classification Sherloc (09022015). Collection method: clinical testing. Allele origin: germline.
Comment: In summary, the available evidence is currently insufficient to determine the role of this variant in disease. Therefore, it has been classified as a Variant of Uncertain Significance. Algorithms developed to predict the effect of missense changes on protein structure and function are either unavailable or do not agree on the potential impact of this missense change (SIFT: "Deleterious"; PolyPhen-2: "Benign"; Align-GVGD: "Class C15"). This variant has been observed in individual(s) with breast cancer (PMID: 9609997). ClinVar contains an entry for this variant (Variation ID: 51280). This variant is not present in population databases (ExAC no frequency). This sequence change replaces phenylalanine with leucine at codon 81 of the BRCA2 protein (p.Phe81Leu). The phenylalanine residue is highly conserved and there is a small physicochemical difference between phenylalanine and leucine.

ClinVar Staff, National Center for Biotechnology Information (NCBI)
No classification provided. Condition: Familial cancer of breast. Review status: no classification provided. Collection method: literature only. Allele origin: germline. Affected: yes. Not counted in ClinVar's aggregate classification.

Literature cited by the submitters: PubMed 9609997 (cited by Labcorp Genetics (formerly Invitae), Labcorp and ClinVar Staff, National Center for Biotechnology Information (NCBI)).

NM_000059.4(BRCA2):c.241T>C (p.Phe81Leu)

Gene: BRCA2 (BRCA2 DNA repair associated; plus strand). Cytogenetic location: 13q13.1.
Variant type: single nucleotide variant.
Coding change: c.241T>C on transcript NM_000059.4 (MANE Select); coding-DNA position 241, T replaced by C.
Protein change: p.Phe81Leu; replaces phenylalanine 81 with leucine.
Molecular consequence: missense variant.
Genome position (GRCh38, 1-based): chr13:32,319,250, T>C. VCF-style: chr13-32319250-T-C. GRCh37 (hg19) VCF-style: chr13-32893387-T-C.
Other names: short protein forms F81L.
Identifiers: ClinVar variation 51280 (VCV000051280.11), dbSNP rs80358507, ClinGen allele CA015208.